The following is an entry in ClinVar:

ClinVar aggregate classification (germline): Uncertain significance. Review status: criteria provided, multiple submitters, no conflicts (2 of 4 stars). 2 submissions from 2 submitters: Uncertain significance (2). Last evaluated 2022-02-07.

Allele frequency attached by ClinVar (database versions not stated): gnomAD exomes below 0.00001; TOPMed below 0.00001; gnomAD 0.00001.

Submissions (2):

Blueprint Genetics
Classification: Uncertain significance. Last evaluated: 2022-02-07. Review status: criteria provided, single submitter. Criteria: ACMG Guidelines, 2015. Collection method: clinical testing. Allele origin: germline.

Labcorp Genetics (formerly Invitae), Labcorp
Classification: Uncertain significance. Last evaluated: 2020-01-30. Review status: criteria provided, single submitter. Criteria: Invitae Variant Classification Sherloc (09022015). Collection method: clinical testing. Allele origin: germline.
Comment: In summary, the available evidence is currently insufficient to determine the role of this variant in disease. Therefore, it has been classified as a Variant of Uncertain Significance. Algorithms developed to predict the effect of missense changes on protein structure and function are either unavailable or do not agree on the potential impact of this missense change (SIFT: "Deleterious"; PolyPhen-2: "Possibly Damaging"; Align-GVGD: "Class C0"). This variant has not been reported in the literature in individuals with TOPORS-related conditions. This variant is not present in population databases (ExAC no frequency). This sequence change replaces glycine with glutamic acid at codon 8 of the TOPORS protein (p.Gly8Glu). The glycine residue is moderately conserved and there is a moderate physicochemical difference between glycine and glutamic acid.

NM_005802.5(TOPORS):c.23G>A (p.Gly8Glu)

Gene: TOPORS (TOP1 binding arginine/serine rich protein, E3 ubiquitin ligase; minus strand). Cytogenetic location: 9p21.1.
Variant type: single nucleotide variant.
Coding change: c.23G>A on transcript NM_005802.5 (MANE Select); coding-DNA position 23, G replaced by A.
Protein change: p.Gly8Glu; replaces glycine 8 with glutamic acid.
Molecular consequence: missense variant. On other transcripts: intron variant (1).
Genome position (GRCh38, 1-based): chr9:32,550,949, C>T on the plus strand (G>A on the coding strand, the complement: TOPORS is on the minus strand). VCF-style: chr9-32550949-C-T. GRCh37 (hg19) VCF-style: chr9-32550947-C-T.
Other names: c.3+1485G>A (NM_001195622.2); short protein forms G8E.
Identifiers: ClinVar variation 1046790 (VCV001046790.10), dbSNP rs903667879, ClinGen allele CA192365876.